The following is an entry in ClinVar:

ClinVar aggregate classification (germline): Conflicting classifications of pathogenicity. Review status: criteria provided, conflicting classifications (1 of 4 stars). 4 submissions from 4 submitters: Uncertain significance (3); Likely benign (1). Last evaluated 2024-12-01.

Conditions:
Inborn genetic diseases. Identifiers: MedGen C0950123, MeSH D030342.
Developmental and epileptic encephalopathy, 9 (DEE9). Also called: EPILEPSY, FEMALE-RESTRICTED, WITH MENTAL RETARDATION; Early infantile epileptic encephalopathy 9; PCDH19-Related X-Linked Female-Limited Epilepsy with Mental Retardation; JUBERG-HELLMAN SYNDROME. Identifiers: Orphanet 101039, Orphanet 2076, MedGen C1848137, MONDO:0010246, OMIM 300088. Disease mechanism: loss of function.

Allele frequency attached by ClinVar (database versions not stated): gnomAD exomes 0.00001; TOPMed 0.00002; ExAC 0.00005.
gnomAD v4.1: 7 of 1,211,409 alleles (0.00058%); highest among the groups gnomAD compares: East Asian, 0.003%; no homozygotes.

Submissions (4):

CeGaT Center for Human Genetics Tuebingen
Classification: Likely benign. Last evaluated: 2024-12-01. Review status: criteria provided, single submitter. Criteria: CeGaT Center For Human Genetics Tuebingen Variant Classification Criteria Version 2. Collection method: clinical testing. Allele origin: germline. Affected: yes. Observed: 1 variant allele.
Comment: PCDH19: BP4

Ambry Genetics
Classification: Uncertain significance for Inborn genetic diseases. Last evaluated: 2024-10-22. Review status: criteria provided, single submitter. Criteria: Ambry Variant Classification Scheme 2023. Collection method: clinical testing. Allele origin: germline.

Labcorp Genetics (formerly Invitae), Labcorp
Classification: Uncertain significance for Developmental and epileptic encephalopathy, 9. Last evaluated: 2024-09-23. Review status: criteria provided, single submitter. Criteria: Invitae Variant Classification Sherloc (09022015). Collection method: clinical testing. Allele origin: germline.
Comment: This sequence change replaces arginine, which is basic and polar, with cysteine, which is neutral and slightly polar, at codon 1092 of the PCDH19 protein (p.Arg1092Cys). This variant is present in population databases (rs745989871, gnomAD 0.008%). This variant has not been reported in the literature in individuals affected with PCDH19-related conditions. ClinVar contains an entry for this variant (Variation ID: 655932). Invitae Evidence Modeling of protein sequence and biophysical properties (such as structural, functional, and spatial information, amino acid conservation, physicochemical variation, residue mobility, and thermodynamic stability) indicates that this missense variant is not expected to disrupt PCDH19 protein function with a negative predictive value of 95%. In summary, the available evidence is currently insufficient to determine the role of this variant in disease. Therefore, it has been classified as a Variant of Uncertain Significance.

Revvity Omics, Revvity
Classification: Uncertain significance for Developmental and epileptic encephalopathy, 9. Last evaluated: 2023-06-30. Review status: criteria provided, single submitter. Criteria: ACMG Guidelines, 2015. Collection method: clinical testing. Allele origin: germline.

NM_001184880.2(PCDH19):c.3274C>T (p.Arg1092Cys)

Gene: PCDH19 (protocadherin 19; minus strand). Cytogenetic location: Xq22.1.
Variant type: single nucleotide variant.
Coding change: c.3274C>T on transcript NM_001184880.2 (MANE Select); coding-DNA position 3274, C replaced by T.
Protein change: p.Arg1092Cys; replaces arginine 1092 with cysteine.
Molecular consequence: missense variant.
Genome position (GRCh38, 1-based): chrX:100,296,450, G>A on the plus strand (C>T on the coding strand, the complement: PCDH19 is on the minus strand). VCF-style: chrX-100296450-G-A. GRCh37 (hg19) VCF-style: chrX-99551448-G-A.
Other names: c.3133C>T, p.Arg1045Cys (NM_001105243.2); c.3130C>T, p.Arg1044Cys (NM_020766.3); short protein forms R1044C, R1045C, R1092C.
Identifiers: ClinVar variation 655932 (VCV000655932.26), dbSNP rs745989871, ClinGen allele CA10468647.
Genomic context (GRCh38, chrX:100,296,450, plus strand): 5'-CAGCTTCAGAGGGACGAGTAGGGCCATTGTTGACATTGTTGACATACTGCTCCAGATCAC[G>A]GGCTGGGGGAGCCAGGGCAATGGTGTAAGACACGGAAGGCTTGGTGGGCAGAGAGCTCTT-3'
Protein context (NP_001171809.1, residues 1082-1102): SYTIALAPPA[Arg1092Cys]DLEQYVNNVN